The following is an entry in ClinVar:

NM_001286577.2(C2CD3):c.3379G>A (p.Ala1127Thr)

Gene: C2CD3 (C2 domain containing 3 centriole elongation regulator; minus strand). Cytogenetic location: 11q13.4.
Variant type: single nucleotide variant.
Coding change: c.3379G>A on transcript NM_001286577.2 (MANE Select); coding-DNA position 3379, G replaced by A.
Protein change: p.Ala1127Thr; replaces alanine 1127 with threonine.
Molecular consequence: missense variant.
Genome position (GRCh38, 1-based): chr11:74,092,554, C>T on the plus strand (G>A on the coding strand, the complement: C2CD3 is on the minus strand). VCF-style: chr11-74092554-C-T. GRCh37 (hg19) VCF-style: chr11-73803599-C-T.
Other names: c.3379G>A, p.Ala1127Thr (NM_015531.6); short protein forms A1127T.
Identifiers: ClinVar variation 1408524 (VCV001408524.8), dbSNP rs200638603, ClinGen allele CA6182407.

ClinVar aggregate classification (germline): Uncertain significance (1 of 4 stars; one submission).

Allele frequency attached by ClinVar (database versions not stated): gnomAD 0.00001; TOPMed 0.00002; gnomAD exomes 0.00004; ExAC 0.00005; 1000 Genomes Project 30x 0.00016; 1000 Genomes Project 0.00020.
gnomAD v4.1: 28 of 1,613,748 alleles (0.0017%); highest among the groups gnomAD compares: South Asian, 0.025%; no homozygotes.

Submission:

Labcorp Genetics (formerly Invitae), Labcorp
Classification: Uncertain significance. Last evaluated: 2024-01-22. Review status: criteria provided, single submitter. Criteria: Invitae Variant Classification Sherloc (09022015). Collection method: clinical testing. Allele origin: germline.
Comment: This sequence change replaces alanine, which is neutral and non-polar, with threonine, which is neutral and polar, at codon 1127 of the C2CD3 protein (p.Ala1127Thr). This variant is present in population databases (rs200638603, gnomAD 0.02%). This variant has not been reported in the literature in individuals affected with C2CD3-related conditions. ClinVar contains an entry for this variant (Variation ID: 1408524). Advanced modeling of protein sequence and biophysical properties (such as structural, functional, and spatial information, amino acid conservation, physicochemical variation, residue mobility, and thermodynamic stability) performed at Invitae indicates that this missense variant is expected to disrupt C2CD3 protein function with a positive predictive value of 80%. In summary, the available evidence is currently insufficient to determine the role of this variant in disease. Therefore, it has been classified as a Variant of Uncertain Significance.